The following is an entry in ClinVar:

ClinVar aggregate classification (germline): Likely benign (1 of 4 stars; one submission).

Submission:

CeGaT Center for Human Genetics Tuebingen
Classification: Likely benign. Last evaluated: 2025-07-01. Review status: criteria provided, single submitter. Criteria: CeGaT Center For Human Genetics Tuebingen Variant Classification Criteria Version 2. Collection method: clinical testing. Allele origin: germline. Affected: yes. Observed: 1 variant allele.
Comment: ARHGEF5: BP4, BP7

NM_005435.4(ARHGEF5):c.2346C>T (p.Pro782=)

Gene: ARHGEF5 (Rho guanine nucleotide exchange factor 5; plus strand). Cytogenetic location: 7q35.
Variant type: single nucleotide variant.
Coding change: c.2346C>T on transcript NM_005435.4 (MANE Select); coding-DNA position 2346, C replaced by T.
Protein change: p.Pro782=; no amino-acid change (proline 782 retained).
Molecular consequence: synonymous variant.
Genome position (GRCh38, 1-based): chr7:144,365,015, C>T. VCF-style: chr7-144365015-C-T. GRCh37 (hg19) VCF-style: chr7-144062108-C-T.
Identifiers: ClinVar variation 4083853 (VCV004083853.8).